The following is an entry in ClinVar:

ClinVar aggregate classification (germline): Likely pathogenic (1 of 4 stars; one submission).

Allele frequency attached by ClinVar (database versions not stated): TOPMed below 0.00001.

Submission:

Labcorp Genetics (formerly Invitae), Labcorp
Classification: Likely pathogenic. Last evaluated: 2024-01-09. Review status: criteria provided, single submitter. Criteria: Invitae Variant Classification Sherloc (09022015). Collection method: clinical testing. Allele origin: germline.
Comment: This sequence change affects a donor splice site in intron 20 of the CC2D1A gene. It is expected to disrupt RNA splicing. Variants that disrupt the donor or acceptor splice site typically lead to a loss of protein function (PMID: 16199547), and loss-of-function variants in CC2D1A are known to be pathogenic (PMID: 16033914). This variant is not present in population databases (gnomAD no frequency). This variant has not been reported in the literature in individuals affected with CC2D1A-related conditions. Algorithms developed to predict the effect of sequence changes on RNA splicing suggest that this variant may disrupt the consensus splice site. In summary, the currently available evidence indicates that the variant is pathogenic, but additional data are needed to prove that conclusively. Therefore, this variant has been classified as Likely Pathogenic.

Literature cited by the submitters: PubMed 16199547; PubMed 16033914.

NM_017721.5(CC2D1A):c.2125+1G>C

Gene: CC2D1A (coiled-coil and C2 domain containing 1A; plus strand). Cytogenetic location: 19p13.12.
Variant type: single nucleotide variant.
Coding change: c.2125+1G>C on transcript NM_017721.5 (MANE Select); the canonical splice donor site of the intron after coding-DNA position 2125, G replaced by C.
Molecular consequence: splice donor variant.
Genome position (GRCh38, 1-based): chr19:13,926,873, G>C. VCF-style: chr19-13926873-G-C. GRCh37 (hg19) VCF-style: chr19-14037686-G-C.
Other names: c.2125+1G>C (NM_001411138.1).
Identifiers: ClinVar variation 2698879 (VCV002698879.3), dbSNP rs1971662595, ClinGen allele CA404395413.